The following is an entry in ClinVar:

NM_016204.4(GDF2):c.1240_1249del (p.Leu414fs)

Gene: GDF2 (growth differentiation factor 2; plus strand). Cytogenetic location: 10q11.22.
Variant type: Deletion.
Coding change: c.1240_1249del on transcript NM_016204.4 (MANE Select); coding-DNA positions 1240 to 1249, 10 bases deleted (CTCAAGTACC; older notation c.1240_1249delCTCAAGTACC).
Protein change: p.Leu414fs; shifts the reading frame from leucine 414.
Molecular consequence: frameshift variant.
Genome position (GRCh38, 1-based): chr10:47,325,734-47,325,743, CTCAAGTACC deleted; deleting any 10 consecutive bases within chr10:47,325,731-47,325,743 gives the same sequence; the c. name uses the placement nearest the transcript's 3' end. VCF-style (leftmost placement, unchanged base first): chr10-47325730-CACCCTCAAGT-C. GRCh37 (hg19) VCF-style: chr10-48413618-TGGTACTTGAG-T.
Other names: short protein forms L414fs.
Identifiers: ClinVar variation 3606806 (VCV003606806.2).
Genomic context (GRCh38, chr10:47,325,730, plus strand): 5'-CTGTGTGCCCACCAAACTGAGCCCCATCTCCGTCCTCTACAAGGATGACATGGGGGTGCC[CACCCTCAAGT>C]ACCATTACGAGGGCATGAGCGTGGCAGAGTGTGGGTGCAGGTAGTATCTGCCTGCGGGGC-3'

ClinVar aggregate classification (germline): Pathogenic (1 of 4 stars; one submission).

Conditions:
Telangiectasia, hereditary hemorrhagic, type 5 (HHT5). Identifiers: Orphanet 774, MedGen C3809710, MONDO:0014217, OMIM 615506.

Submission:

Labcorp Genetics (formerly Invitae), Labcorp
Classification: Pathogenic for Telangiectasia, hereditary hemorrhagic, type 5. Last evaluated: 2024-12-23. Review status: criteria provided, single submitter. Criteria: Invitae Variant Classification Sherloc (09022015). Collection method: clinical testing. Allele origin: germline.
Comment: This sequence change creates a premature translational stop signal (p.Leu414Ilefs*5) in the GDF2 gene. While this is not anticipated to result in nonsense mediated decay, it is expected to disrupt the last 16 amino acid(s) of the GDF2 protein. This variant is not present in population databases (gnomAD no frequency). This variant has not been reported in the literature in individuals affected with GDF2-related conditions. Algorithms developed to predict the effect of sequence changes on RNA splicing suggest that this variant may create or strengthen a splice site. This variant disrupts a region of the GDF2 protein in which other variant(s) (p.Val423Met) have been determined to be pathogenic (PMID: 30578397, 31727138). This suggests that this is a clinically significant region of the protein, and that variants that disrupt it are likely to be disease-causing. For these reasons, this variant has been classified as Pathogenic.

Literature cited by the submitters: PubMed 30578397; PubMed 31727138.